The following is an entry in ClinVar:

NM_177438.3(DICER1):c.2255C>A (p.Ala752Glu)

Gene: DICER1 (dicer 1, ribonuclease III; minus strand). Cytogenetic location: 14q32.13.
Variant type: single nucleotide variant.
Coding change: c.2255C>A on transcript NM_177438.3 (MANE Select); coding-DNA position 2255, C replaced by A.
Protein change: p.Ala752Glu; replaces alanine 752 with glutamic acid.
Molecular consequence: missense variant. On other transcripts: non-coding transcript variant (6).
Genome position (GRCh38, 1-based): chr14:95,111,318, G>T on the plus strand (C>A on the coding strand, the complement: DICER1 is on the minus strand). VCF-style: chr14-95111318-G-T. GRCh37 (hg19) VCF-style: chr14-95577655-G-T.
Other names: c.2255C>A, p.Ala752Glu (NM_001195573.1, NM_001271282.3, NM_001291628.2 and 12 more transcripts); c.1973C>A, p.Ala658Glu (NM_001395686.1); c.1850C>A, p.Ala617Glu (NM_001395687.1, NM_001395688.1, NM_001395689.1 and 3 more transcripts); c.1688C>A, p.Ala563Glu (NM_001395691.1); c.572C>A, p.Ala191Glu (NM_001395697.1); short protein forms A658E, A191E, A563E, A617E, A752E.
Identifiers: ClinVar variation 3501850 (VCV003501850.1).

ClinVar aggregate classification (germline): Uncertain significance (1 of 4 stars; one submission).

Conditions:
Hereditary cancer-predisposing syndrome. Also called: Tumor predisposition; Neoplastic Syndromes, Hereditary; Hereditary Cancer Syndrome; Hereditary neoplastic syndrome. Identifiers: Orphanet 140162, MedGen C0027672, MeSH D009386, MONDO:0015356.

Submission:

Ambry Genetics
Classification: Uncertain significance for Hereditary cancer-predisposing syndrome. Last evaluated: 2024-07-09. Review status: criteria provided, single submitter. Criteria: Ambry Variant Classification Scheme 2023. Collection method: clinical testing. Allele origin: germline.
Comment: The p.A752E variant (also known as c.2255C>A), located in coding exon 13 of the DICER1 gene, results from a C to A substitution at nucleotide position 2255. The alanine at codon 752 is replaced by glutamic acid, an amino acid with dissimilar properties. This amino acid position is conserved. In addition, the in silico prediction for this alteration is inconclusive. Based on the available evidence, the clinical significance of this variant remains unclear.